The following is an entry in ClinVar:

NM_001351132.2(PEX5):c.1561-3C>T

Gene: PEX5 (peroxisomal biogenesis factor 5; plus strand). Cytogenetic location: 12p13.31.
Variant type: single nucleotide variant.
Coding change: c.1561-3C>T on transcript NM_001351132.2 (MANE Select); 3 bases into the intron before coding-DNA position 1561, C replaced by T.
Molecular consequence: intron variant.
Genome position (GRCh38, 1-based): chr12:7,209,680, C>T. VCF-style: chr12-7209680-C-T. GRCh37 (hg19) VCF-style: chr12-7362276-C-T.
Other names: c.1450-3C>T (NM_001351124.3, NM_001351126.2, NM_001374646.1 and 7 more transcripts); c.1561-3C>T (NM_001131026.2, NM_001351131.2, NM_001374647.2 and 4 more transcripts); c.1426-3C>T (NM_001374649.2, NM_001351140.2, NM_001351139.2); c.1495-3C>T (NM_001351135.3, NM_001351138.2); c.1606-3C>T (NM_001131023.2); c.1552-3C>T (NM_001351136.2); c.1537-3C>T (NM_000319.5).
Identifiers: ClinVar variation 2107479 (VCV002107479.4), dbSNP rs2540319618, ClinGen allele CA2575066172.

ClinVar aggregate classification (germline): Uncertain significance (1 of 4 stars; one submission).

Conditions:
Peroxisome biogenesis disorder 2B (PBD2B). Identifiers: Orphanet 44, MedGen C3550234, MONDO:0008736, OMIM 202370.

Allele frequency attached by ClinVar (database versions not stated): gnomAD exomes below 0.00001.
gnomAD v4.1: 1 of 1,106,486 alleles (0.00009%); highest among the groups gnomAD compares: Non-Finnish European, 0.00011%; no homozygotes.

Submission:

Labcorp Genetics (formerly Invitae), Labcorp
Classification: Uncertain significance for Peroxisome biogenesis disorder 2B. Last evaluated: 2022-06-09. Review status: criteria provided, single submitter. Criteria: Invitae Variant Classification Sherloc (09022015). Collection method: clinical testing. Allele origin: germline.
Comment: This variant is not present in population databases (gnomAD no frequency). This sequence change falls in intron 14 of the PEX5 gene. It does not directly change the encoded amino acid sequence of the PEX5 protein. It affects a nucleotide within the consensus splice site. In summary, the available evidence is currently insufficient to determine the role of this variant in disease. Therefore, it has been classified as a Variant of Uncertain Significance. Variants that disrupt the consensus splice site are a relatively common cause of aberrant splicing (PMID: 17576681, 9536098). Algorithms developed to predict the effect of sequence changes on RNA splicing suggest that this variant is not likely to affect RNA splicing. This variant has not been reported in the literature in individuals affected with PEX5-related conditions.

Literature cited by the submitters: PubMed 17576681; PubMed 9536098.